The following is an entry in ClinVar:

ClinVar aggregate classification (germline): Uncertain significance. Review status: criteria provided, multiple submitters, no conflicts (2 of 4 stars). 4 submissions from 4 submitters: Uncertain significance (4). Last evaluated 2025-11-24.

Conditions:
Hereditary nonpolyposis colorectal neoplasms. Identifiers: MedGen C0009405, MeSH D003123.
Hereditary cancer-predisposing syndrome. Also called: Tumor predisposition; Hereditary Cancer Syndrome; Hereditary neoplastic syndrome; Neoplastic Syndromes, Hereditary. Identifiers: Orphanet 140162, MedGen C0027672, MeSH D009386, MONDO:0015356.

Allele frequency attached by ClinVar (database versions not stated): gnomAD exomes below 0.00001; TOPMed 0.00001; gnomAD 0.00003.
gnomAD v4.1: 5 of 1,614,050 alleles (0.00031%); highest among the groups gnomAD compares: African/African-American, 0.0067%; no homozygotes.

Submissions (4):

Labcorp Genetics (formerly Invitae), Labcorp
Classification: Uncertain significance for Hereditary nonpolyposis colorectal neoplasms. Last evaluated: 2025-11-24. Review status: criteria provided, single submitter. Criteria: Invitae Variant Classification Sherloc (09022015). Collection method: clinical testing. Allele origin: germline.
Comment: This sequence change replaces lysine, which is basic and polar, with glutamine, which is neutral and polar, at codon 613 of the PMS2 protein (p.Lys613Gln). This variant is present in population databases (no rsID available, gnomAD 0.01%). This variant has not been reported in the literature in individuals affected with PMS2-related conditions. ClinVar contains an entry for this variant (Variation ID: 411056). Invitae Evidence Modeling incorporating data from in vitro experimental studies (internal data) indicates that this missense variant is not expected to disrupt PMS2 function with a negative predictive value of 95%. In summary, the available evidence is currently insufficient to determine the role of this variant in disease. Therefore, it has been classified as a Variant of Uncertain Significance.

Ambry Genetics
Classification: Uncertain significance for Hereditary cancer-predisposing syndrome. Last evaluated: 2025-10-09. Review status: criteria provided, single submitter. Criteria: Ambry Variant Classification Scheme 2023. Collection method: clinical testing. Allele origin: germline.
Comment: The p.K613Q variant (also known as c.1837A>C), located in coding exon 11 of the PMS2 gene, results from an A to C substitution at nucleotide position 1837. The lysine at codon 613 is replaced by glutamine, an amino acid with similar properties. This amino acid position is well conserved in available vertebrate species. In addition, this alteration is predicted to be tolerated by in silico analysis. Based on the available evidence, the clinical significance of this variant remains unclear.

Color Diagnostics, LLC DBA Color Health
Classification: Uncertain significance for Hereditary cancer-predisposing syndrome. Last evaluated: 2024-03-07. Review status: criteria provided, single submitter. Criteria: ACMG Guidelines, 2015. Collection method: clinical testing. Allele origin: germline.
Comment: This missense variant replaces lysine with glutamine at codon 613 of the PMS2 protein. Computational prediction suggests that this variant may not impact protein structure and function (internally defined REVEL score threshold <= 0.5, PMID: 27666373). To our knowledge, functional studies have not been reported for this variant. This variant has not been reported in individuals affected with hereditary cancer in the literature. This variant has been identified in 1/31404 chromosomes in the general population by the Genome Aggregation Database (gnomAD). The available evidence is insufficient to determine the role of this variant in disease conclusively. Therefore, this variant is classified as a Variant of Uncertain Significance.

Women's Health and Genetics/Laboratory Corporation of America, LabCorp
Classification: Uncertain significance. Last evaluated: 2021-07-13. Review status: criteria provided, single submitter. Criteria: LabCorp Variant Classification Summary - May 2015. Collection method: clinical testing. Allele origin: germline.
Comment: Variant summary: PMS2 c.1837A>C (p.Lys613Gln) results in a conservative amino acid change in the encoded protein sequence. Three of five in-silico tools predict a benign effect of the variant on protein function. The variant was absent in 251450 control chromosomes (gnomAD). The available data on variant occurrences in the general population are insufficient to allow any conclusion about variant significance. To our knowledge, no occurrence of c.1837A>C in individuals affected with Hereditary Nonpolyposis Colorectal Cancer and no experimental evidence demonstrating its impact on protein function have been reported. Three ClinVar submitters (evaluation after 2014) cite the variant as uncertain significance. Based on the evidence outlined above, the variant was classified as uncertain significance.

NM_000535.7(PMS2):c.1837A>C (p.Lys613Gln)

Gene: PMS2 (PMS1 homolog 2, mismatch repair system component; minus strand). Cytogenetic location: 7p22.1.
Variant type: single nucleotide variant.
Coding change: c.1837A>C on transcript NM_000535.7 (MANE Select); coding-DNA position 1837, A replaced by C.
Protein change: p.Lys613Gln; replaces lysine 613 with glutamine.
Molecular consequence: missense variant. On other transcripts: non-coding transcript variant (1).
Genome position (GRCh38, 1-based): chr7:5,986,928, T>G on the plus strand (A>C on the coding strand, the complement: PMS2 is on the minus strand). VCF-style: chr7-5986928-T-G. GRCh37 (hg19) VCF-style: chr7-6026559-T-G.
Other names: c.1432A>C, p.Lys478Gln (NM_001322003.2, NM_001322004.2, NM_001322005.2 and 1 more transcripts); c.1681A>C, p.Lys561Gln (NM_001322006.2); c.1519A>C, p.Lys507Gln (NM_001322007.2, NM_001322008.2); c.1276A>C, p.Lys426Gln (NM_001322010.2); c.904A>C, p.Lys302Gln (NM_001322011.2, NM_001322012.2); c.1264A>C, p.Lys422Gln (NM_001322013.2); c.1837A>C, p.Lys613Gln (NM_001322014.2); c.1528A>C, p.Lys510Gln (NM_001322015.2); short protein forms K613Q, K422Q, K561Q, K478Q, K507Q, K302Q, K426Q, K510Q.
Identifiers: ClinVar variation 411056 (VCV000411056.20), dbSNP rs63751230, ClinGen allele CA16612215.